The following is an entry in ClinVar:

NM_032638.5(GATA2):c.934G>A (p.Gly312Ser)

Gene: GATA2 (GATA binding protein 2; minus strand). Cytogenetic location: 3q21.3.
Variant type: single nucleotide variant.
Coding change: c.934G>A on transcript NM_032638.5 (MANE Select); coding-DNA position 934, G replaced by A.
Protein change: p.Gly312Ser; replaces glycine 312 with serine.
Molecular consequence: missense variant.
Genome position (GRCh38, 1-based): chr3:128,483,943, C>T on the plus strand (G>A on the coding strand, the complement: GATA2 is on the minus strand). VCF-style: chr3-128483943-C-T. GRCh37 (hg19) VCF-style: chr3-128202786-C-T.
Other names: c.934G>A, p.Gly312Ser (NM_001145661.2, NM_001145662.1); short protein forms G312S.
Identifiers: ClinVar variation 4262152 (VCV004262152.1).

ClinVar aggregate classification (germline): Uncertain significance (1 of 4 stars; one submission).

Conditions:
Inborn genetic diseases. Identifiers: MedGen C0950123, MeSH D030342.

Submission:

Ambry Genetics
Classification: Uncertain significance for Inborn genetic diseases. Last evaluated: 2025-09-10. Review status: criteria provided, single submitter. Criteria: Ambry Variant Classification Scheme 2023. Collection method: clinical testing. Allele origin: germline.
Comment: The p.G312S variant (also known as c.934G>A), located in coding exon 3 of the GATA2 gene, results from a G to A substitution at nucleotide position 934. The glycine at codon 312 is replaced by serine, an amino acid with similar properties. This amino acid position is conserved. In addition, this alteration is predicted to be deleterious by in silico analysis. Based on the available evidence, the clinical significance of this variant remains unclear.